The following is an entry in ClinVar:

NM_000038.6(APC):c.1744-2707C>G

Gene: APC (APC regulator of WNT signaling pathway; plus strand). Cytogenetic location: 5q22.2.
Variant type: single nucleotide variant.
Coding change: c.1744-2707C>G on transcript NM_000038.6 (MANE Select); 2707 bases into the intron before coding-DNA position 1744, C replaced by G.
Molecular consequence: intron variant.
Genome position (GRCh38, 1-based): chr5:112,832,244, C>G. VCF-style: chr5-112832244-C-G. GRCh37 (hg19) VCF-style: chr5-112167941-C-G.
Other names: c.1744-2707C>G (NM_001354895.2, NM_001127510.3); c.1774-2707C>G (NM_001354897.2); c.1471-2707C>G (NM_001354902.2); c.1690-2707C>G (NM_001127511.3); c.1669-2707C>G (NM_001354898.2); c.1366-2707C>G (NM_001354904.2); c.895-2707C>G (NM_001354906.2); c.1798-2707C>G (NM_001354896.2); and 5 more.
Identifiers: ClinVar variation 83185 (VCV000083185.2), dbSNP rs2909958, ClinGen allele CA005859.

ClinVar aggregate classification (germline): other (0 of 4 stars; one submission).

Conditions:
Familial colorectal cancer. Identifiers: MedGen CN280943, MONDO:0023113. Disease mechanism: loss of function.

Allele frequency attached by ClinVar (database versions not stated): gnomAD 0.53768 and 0.54637; TOPMed 0.55970; 1000 Genomes Project 30x 0.61758; 1000 Genomes Project 0.62061.
gnomAD v4.1: 83,018 of 151,958 alleles (55%); highest among the groups gnomAD compares: East Asian, 82%; 23,242 homozygotes.

Submission:

Systems Biology Platform Zhejiang California International NanoSystems Institute
Classification: other for Familial colorectal cancer. Review status: no assertion criteria provided. Collection method: not provided. Allele origin: unknown.
ClinVar note: Converted during submission from cancer to other.